The following is an entry in ClinVar:

NM_001715.3(BLK):c.152C>T (p.Pro51Leu)

Gene: BLK (BLK proto-oncogene, Src family tyrosine kinase). Cytogenetic location: 8p23.1.
Variant type: single nucleotide variant.
Coding change: c.152C>T on transcript NM_001715.3 (MANE Select); coding-DNA position 152, C replaced by T.
Protein change: p.Pro51Leu; replaces proline 51 with leucine.
Molecular consequence: missense variant. On other transcripts: 5 prime UTR variant (1).
Genome position (GRCh38, 1-based): chr8:11,546,080, C>T. VCF-style: chr8-11546080-C-T. GRCh37 (hg19) VCF-style: chr8-11403589-C-T.
Other names: c.-62C>T (NM_001330465.2); short protein forms P51L.
Identifiers: ClinVar variation 2707959 (VCV002707959.3), dbSNP rs140188373, ClinGen allele CA4629711.

ClinVar aggregate classification (germline): Uncertain significance (1 of 4 stars; one submission).

Allele frequency attached by ClinVar (database versions not stated): ExAC 0.00002; gnomAD 0.00003; TOPMed 0.00004; ESP Exome Variant Server 0.00008.
gnomAD v4.1: 131 of 1,614,054 alleles (0.0081%); highest among the groups gnomAD compares: Non-Finnish European, 0.0097%; 1 homozygote.

Submission:

Labcorp Genetics (formerly Invitae), Labcorp
Classification: Uncertain significance. Last evaluated: 2023-07-25. Review status: criteria provided, single submitter. Criteria: Invitae Variant Classification Sherloc (09022015). Collection method: clinical testing. Allele origin: germline.
Comment: In summary, the available evidence is currently insufficient to determine the role of this variant in disease. Therefore, it has been classified as a Variant of Uncertain Significance. Algorithms developed to predict the effect of missense changes on protein structure and function output the following: SIFT: "Not Available"; PolyPhen-2: "Benign"; Align-GVGD: "Not Available". The leucine amino acid residue is found in multiple mammalian species, which suggests that this missense change does not adversely affect protein function. This variant has not been reported in the literature in individuals affected with BLK-related conditions. The frequency data for this variant in the population databases is considered unreliable, as metrics indicate poor data quality at this position in the gnomAD database. This sequence change replaces proline, which is neutral and non-polar, with leucine, which is neutral and non-polar, at codon 51 of the BLK protein (p.Pro51Leu).